The following is an entry in ClinVar:

NM_000388.4(CASR):c.1168G>A (p.Ala390Thr)

Gene: CASR (calcium sensing receptor; plus strand). Cytogenetic location: 3q21.1.
Variant type: single nucleotide variant.
Coding change: c.1168G>A on transcript NM_000388.4 (MANE Select); coding-DNA position 1168, G replaced by A.
Protein change: p.Ala390Thr; replaces alanine 390 with threonine.
Molecular consequence: missense variant.
Genome position (GRCh38, 1-based): chr3:122,262,203, G>A. VCF-style: chr3-122262203-G-A. GRCh37 (hg19) VCF-style: chr3-121981050-G-A.
Other names: c.1168G>A, p.Ala390Thr (NM_001178065.2); short protein forms A390T.
Identifiers: ClinVar variation 818488 (VCV000818488.9), dbSNP rs202228006, ClinGen allele CA82738922.

ClinVar aggregate classification (germline): Uncertain significance. Review status: criteria provided, multiple submitters, no conflicts (2 of 4 stars). 2 submissions from 2 submitters: Uncertain significance (2). Last evaluated 2022-06-19.

Conditions:
Familial hypocalciuric hypercalcemia (FHH). Also called: Familial benign hypercalcemia. Identifiers: Orphanet 405, MedGen C1809471, MONDO:0018458.
Autosomal dominant hypocalcemia 1 (HYPOC1). Also called: HYPOCALCEMIA, FAMILIAL. Identifiers: MedGen C3715128, MONDO:0011013, OMIM 601198.
Nephrolithiasis/nephrocalcinosis. Identifiers: MedGen CN580796.

Allele frequency attached by ClinVar (database versions not stated): gnomAD exomes below 0.00001.
gnomAD v4.1: 5 of 1,614,190 alleles (0.00031%); highest among the groups gnomAD compares: Non-Finnish European, 0.00042%; no homozygotes.

Submissions (2):

Labcorp Genetics (formerly Invitae), Labcorp
Classification: Uncertain significance for Familial hypocalciuric hypercalcemia; Autosomal dominant hypocalcemia 1. Last evaluated: 2022-06-19. Review status: criteria provided, single submitter. Criteria: Invitae Variant Classification Sherloc (09022015). Collection method: clinical testing. Allele origin: germline.
Comment: In summary, the available evidence is currently insufficient to determine the role of this variant in disease. Therefore, it has been classified as a Variant of Uncertain Significance. Algorithms developed to predict the effect of missense changes on protein structure and function output the following: SIFT: "Deleterious"; PolyPhen-2: "Benign"; Align-GVGD: "Class C0". The threonine amino acid residue is found in multiple mammalian species, which suggests that this missense change does not adversely affect protein function. ClinVar contains an entry for this variant (Variation ID: 818488). This variant has not been reported in the literature in individuals affected with CASR-related conditions. This variant is not present in population databases (gnomAD no frequency). This sequence change replaces alanine, which is neutral and non-polar, with threonine, which is neutral and polar, at codon 390 of the CASR protein (p.Ala390Thr).

Ambry Genetics
Classification: Uncertain significance for Nephrolithiasis/nephrocalcinosis. Last evaluated: 2019-06-28. Review status: criteria provided, single submitter. Criteria: Ambry Variant Classification Scheme 2023. Collection method: clinical testing. Allele origin: germline.
Comment: The p.A390T variant (also known as c.1168G>A), located in coding exon 3 of the CASR gene, results from a G to A substitution at nucleotide position 1168. The alanine at codon 390 is replaced by threonine, an amino acid with similar properties. This amino acid position is not well conserved in available vertebrate species, and threonine is the reference amino acid in other vertebrate species. In addition, this alteration is predicted to be tolerated by in silico analysis. Since supporting evidence is limited at this time, the clinical significance of this alteration remains unclear.